The following is an entry in ClinVar:

NC_000006.11:g.(80878748_80880998)_(80881108_80910650)del

Gene: BCKDHB (branched chain keto acid dehydrogenase E1 subunit beta; plus strand). Cytogenetic location: 6q14.1.
Variant type: Deletion.
Identifiers: ClinVar variation 3768264 (VCV003768264.1).

ClinVar aggregate classification (germline): Pathogenic (1 of 4 stars; one submission).

Conditions:
Maple syrup urine disease type 1B (MSUD1B). Also called: MSUD type IB; MSUD type 3 (formerly); MSUD due to deficiency of e1-beta subunit of branched-chain alpha-keto acid dehydrogenase complex. Identifiers: MedGen C2930990, MONDO:0023692, OMIM 620698.

Submission:

Women's Health and Genetics/Laboratory Corporation of America, LabCorp
Classification: Pathogenic for Maple syrup urine disease type 1B. Last evaluated: 2024-12-04. Review status: criteria provided, single submitter. Criteria: LabCorp Variant Classification Summary - May 2015. Collection method: clinical testing. Allele origin: germline.
Comment: Variant summary: The variant involves the deletion of exon 6 in the BCKDHB gene. A presumed nomenclature of c.(633+1_634-1)_(742+1_743-1)del has been designated for the purposes of this classification. This Copy Number Variant (CNV) is expected to alter the reading frame and predicted to result in a truncation or absence of the encoded protein due to nonsense mediated decay (NMD). The variant was absent in 21690 control chromosomes. To our knowledge, no occurrence of c.(633+1_634-1)_(742+1_743-1)del in individuals affected with Maple Syrup Urine Disease Type 1B and no experimental evidence demonstrating its impact on protein function have been reported. No submitters have cited clinical-significance assessments for this variant to ClinVar. Based on the evidence outlined above, the variant was classified as pathogenic.